The following is an entry in ClinVar:

ClinVar aggregate classification (germline): Uncertain significance. Review status: criteria provided, multiple submitters, no conflicts (2 of 4 stars). 2 submissions from 2 submitters: Uncertain significance (2). Last evaluated 2024-07-16.

Allele frequency attached by ClinVar (database versions not stated): gnomAD exomes 0.00002; gnomAD 0.00003; TOPMed 0.00004.
gnomAD v4.1: 30 of 1,613,490 alleles (0.0019%); highest among the groups gnomAD compares: Non-Finnish European, 0.0025%; no homozygotes.

Submissions (2):

Ambry Genetics
Classification: Uncertain significance. Last evaluated: 2024-07-16. Review status: criteria provided, single submitter. Criteria: Ambry Variant Classification Scheme 2023. Collection method: clinical testing. Allele origin: germline.

Labcorp Genetics (formerly Invitae), Labcorp
Classification: Uncertain significance. Last evaluated: 2023-06-10. Review status: criteria provided, single submitter. Criteria: Invitae Variant Classification Sherloc (09022015). Collection method: clinical testing. Allele origin: germline.
Comment: In summary, the available evidence is currently insufficient to determine the role of this variant in disease. Therefore, it has been classified as a Variant of Uncertain Significance. An algorithm developed to predict the effect of missense changes on protein structure and function (PolyPhen-2) suggests that this variant¬†is likely to be tolerated. ClinVar contains an entry for this variant (Variation ID: 2166310). This variant has not been reported in the literature in individuals affected with LOXL3-related conditions. This variant is not present in population databases (gnomAD no frequency). This sequence change replaces tyrosine, which is neutral and polar, with histidine, which is basic and polar, at codon 54 of the LOXL3 protein (p.Tyr54His).

NM_032603.5(LOXL3):c.160T>C (p.Tyr54His)

Genes: DOK1 (docking protein 1; plus strand), LOXL3 (lysyl oxidase like 3; minus strand). Cytogenetic location: 2p13.1.
Variant type: single nucleotide variant.
Coding change: c.160T>C on transcript NM_032603.5 (MANE Select); coding-DNA position 160, T replaced by C.
Protein change: p.Tyr54His; replaces tyrosine 54 with histidine.
Molecular consequence: missense variant. On other transcripts: intron variant (1).
Genome position (GRCh38, 1-based): chr2:74,552,475, A>G on the plus strand (T>C on the coding strand, the complement: LOXL3 is on the minus strand). VCF-style: chr2-74552475-A-G. GRCh37 (hg19) VCF-style: chr2-74779602-A-G.
Other names: c.160T>C, p.Tyr54His (NM_001289164.3); c.-357-2679A>G (NM_001197260.2); short protein forms Y54H.
Identifiers: ClinVar variation 2166310 (VCV002166310.3), dbSNP rs773322576, ClinGen allele CA1729252.
Genomic context (GRCh38, chr2:74,552,475, plus strand): 5'-AGTCATCATCGCAGATGGTGCCCCATTCACCAGCTCGCTGTATCTCCACGCGGCCCTCGT[A>G]GGGCTTCCTGGGGAAGCCAGCCAGCCGGAACCGAAGCCCCTGGCTCCCGGCCTTCTTCTC-3'
Protein context (NP_115992.1, residues 44-64): FRLAGFPRKP[Tyr54His]EGRVEIQRAG